The following is an entry in ClinVar:

ClinVar aggregate classification (germline): Likely benign (1 of 4 stars; one submission).

Conditions:
FAH-related disorder. Also called: FAH-related condition.

Submission:

PreventionGenetics, part of Exact Sciences
Classification: Likely benign for FAH-related condition. Last evaluated: 2025-11-10. Review status: criteria provided, single submitter. Criteria: ACMG Guidelines, 2015. Collection method: clinical testing. Allele origin: germline.
Comment: This variant is classified as likely benign based on ACMG/AMP sequence variant interpretation guidelines (Richards et al. 2015 PMID: 25741868, with internal and published modifications).

NM_000137.4(FAH):c.838-3C>T

Gene: FAH (fumarylacetoacetate hydrolase; plus strand). Cytogenetic location: 15q25.1.
Variant type: single nucleotide variant.
Coding change: c.838-3C>T on transcript NM_000137.4 (MANE Select); 3 bases into the intron before coding-DNA position 838, C replaced by T.
Molecular consequence: intron variant.
Genome position (GRCh38, 1-based): chr15:80,175,013, C>T. VCF-style: chr15-80175013-C-T. GRCh37 (hg19) VCF-style: chr15-80467355-C-T.
Other names: c.838-3C>T (NM_001374377.1, NM_001374380.1).
Identifiers: ClinVar variation 4995653 (VCV004995653.1).
Genomic context (GRCh38, chr15:80,175,013, plus strand): 5'-GGCCCAGCCGGGTGAGCTCAGCCCACCTGCCAGTGACCTCTGTGCTGTGCTTTGCCCTCT[C>T]AGGACCCCAGGCCCCTGCCGTATCTGTGCCATGACGAGCCCTACACATTTGACATCAACC-3'